The following is an entry in ClinVar:

NM_006885.4(ZFHX3):c.4761C>G (p.Pro1587=)

Genes: ZFHX3 (zinc finger homeobox 3; minus strand), ZFHX3-AS1 (ZFHX3 antisense RNA 1; plus strand). Cytogenetic location: 16q22.2.
Variant type: single nucleotide variant.
Coding change: c.4761C>G on transcript NM_006885.4 (MANE Select); coding-DNA position 4761, C replaced by G.
Protein change: p.Pro1587=; no amino-acid change (proline 1587 retained).
Molecular consequence: synonymous variant.
Genome position (GRCh38, 1-based): chr16:72,797,921, G>C on the plus strand (C>G on the coding strand, the complement: ZFHX3 is on the minus strand). VCF-style: chr16-72797921-G-C. GRCh37 (hg19) VCF-style: chr16-72831820-G-C.
Other names: c.2019C>G, p.Pro673= (NM_001164766.2); c.4761C>G, p.Pro1587= (NM_001386735.1).
Identifiers: ClinVar variation 3043009 (VCV003043009.3), dbSNP rs144657961, ClinGen allele CA8163741.

ClinVar aggregate classification (germline): Likely benign. Review status: criteria provided, single submitter (1 of 4 stars). 2 submissions from 2 submitters: Likely benign (1). 1 of the submissions does not count toward it. Last evaluated 2024-11-11.

Conditions:
ZFHX3-related disorder. Also called: ZFHX3-related condition.

Allele frequency attached by ClinVar (database versions not stated): ESP Exome Variant Server 0.00008; ExAC 0.00019; gnomAD 0.00028; TOPMed 0.00062.
gnomAD v4.1: 413 of 1,614,074 alleles (0.026%); highest among the groups gnomAD compares: Middle Eastern, 0.23%; 3 homozygotes.

Submissions (2):

Blueprint Genetics
Classification: Likely benign. Last evaluated: 2024-11-11. Review status: criteria provided, single submitter. Criteria: ACMG Guidelines, 2015. Collection method: clinical testing. Allele origin: germline.

PreventionGenetics, part of Exact Sciences
Classification: Likely benign for ZFHX3-related condition. Last evaluated: 2019-07-01. Review status: no assertion criteria provided. Collection method: clinical testing. Allele origin: germline. Not counted in ClinVar's aggregate classification.
Comment: This variant is classified as likely benign based on ACMG/AMP sequence variant interpretation guidelines (Richards et al. 2015 PMID: 25741868, with internal and published modifications).